The following is an entry in ClinVar:

NM_001127222.2(CACNA1A):c.6696_6697delinsTT (p.Pro2233Ser)

Gene: CACNA1A (calcium voltage-gated channel subunit alpha1 A; minus strand). Cytogenetic location: 19p13.13.
Variant type: Indel.
Coding change: c.6696_6697delinsTT on transcript NM_001127222.2 (MANE Select); coding-DNA positions 6696 to 6697, GC replaced by TT.
Protein change: p.Pro2233Ser; replaces proline 2233 with serine.
Molecular consequence: missense variant.
Genome position (GRCh38, 1-based): chr19:13,208,839-13,208,840, GC replaced by AA on the plus strand (GC replaced by TT on the coding strand, the reverse complement: CACNA1A is on the minus strand). VCF-style: chr19-13208839-GC-AA. GRCh37 (hg19) VCF-style: chr19-13319653-GC-AA.
Other names: c.6714_6715delinsTT, p.Pro2239Ser (NM_000068.4, NM_023035.3); c.6699_6700delinsTT, p.Pro2234Ser (NM_001127221.2); c.6705_6706delinsTT, p.Pro2236Ser (NM_001174080.2); short protein forms P2233S, P2236S, P2239S, P2234S.
Identifiers: ClinVar variation 2938013 (VCV002938013.3), dbSNP rs2512515701, ClinGen allele CA2740091915.

ClinVar aggregate classification (germline): Uncertain significance (1 of 4 stars; one submission).

Conditions:
Episodic ataxia type 2 (EA2). Also called: CEREBELLAR ATAXIA, PAROXYSMAL, ACETAZOLAMIDE-RESPONSIVE; CEREBELLOPATHY, HEREDITARY PAROXYSMAL; EPISODIC ATAXIA, NYSTAGMUS-ASSOCIATED; ACETAZOLAMIDE-RESPONSIVE HEREDITARY PAROXYSMAL CEREBELLAR ATAXIA; ATAXIA, EPISODIC, WITH NYSTAGMUS; ATAXIA, FAMILIAL PAROXYSMAL. Identifiers: Orphanet 97, MedGen C1720416, MONDO:0007163, OMIM 108500.
Developmental and epileptic encephalopathy, 42 (DEE42A). Also called: Epileptic encephalopathy, early infantile, 42; DEVELOPMENTAL AND EPILEPTIC ENCEPHALOPATHY 42A; EPILEPTIC ENCEPHALOPATHY, EARLY INFANTILE, 42A. Identifiers: MedGen C4310716, MONDO:0014917, OMIM 617106.

Submission:

Labcorp Genetics (formerly Invitae), Labcorp
Classification: Uncertain significance for Developmental and epileptic encephalopathy, 42; Episodic ataxia type 2. Last evaluated: 2023-07-19. Review status: criteria provided, single submitter. Criteria: Invitae Variant Classification Sherloc (09022015). Collection method: clinical testing. Allele origin: germline.
Comment: Experimental studies and prediction algorithms are not available or were not evaluated, and the functional significance of this variant is currently unknown. In summary, the available evidence is currently insufficient to determine the role of this variant in disease. Therefore, it has been classified as a Variant of Uncertain Significance. This variant has not been reported in the literature in individuals affected with CACNA1A-related conditions. Information on the frequency of this variant in the gnomAD database is not available, as this variant may be reported differently in the database. This sequence change replaces proline, which is neutral and non-polar, with serine, which is neutral and polar, at codon 2234 of the CACNA1A protein (p.Pro2234Ser).